The following is an entry in ClinVar:

NM_014141.6(CNTNAP2):c.2516A>G (p.Asn839Ser)

Gene: CNTNAP2 (contactin associated protein 2; plus strand). Cytogenetic location: 7q35.
Variant type: single nucleotide variant.
Coding change: c.2516A>G on transcript NM_014141.6 (MANE Select); coding-DNA position 2516, A replaced by G.
Protein change: p.Asn839Ser; replaces asparagine 839 with serine.
Molecular consequence: missense variant.
Genome position (GRCh38, 1-based): chr7:148,118,250, A>G. VCF-style: chr7-148118250-A-G. GRCh37 (hg19) VCF-style: chr7-147815342-A-G.
Other names: p.N839S:AAT>AGT; short protein forms N839S.
Identifiers: ClinVar variation 205267 (VCV000205267.12), dbSNP rs796052377, ClinGen allele CA314168.

ClinVar aggregate classification (germline): Uncertain significance. Review status: criteria provided, multiple submitters, no conflicts (2 of 4 stars). 2 submissions from 2 submitters: Uncertain significance (2). Last evaluated 2020-02-07.

Conditions:
Cortical dysplasia-focal epilepsy syndrome (PTHSL1). Also called: Pitt-Hopkins-like syndrome 1. Identifiers: Orphanet 163681, Orphanet 221150, MedGen C2750246, MONDO:0012400, OMIM 610042.

Allele frequency attached by ClinVar (database versions not stated): gnomAD exomes below 0.00001; gnomAD 0.00001; TOPMed 0.00001.
gnomAD v4.1: 4 of 1,614,058 alleles (0.00025%); highest among the groups gnomAD compares: Non-Finnish European, 0.00034%; no homozygotes.

Submissions (2):

Labcorp Genetics (formerly Invitae), Labcorp
Classification: Uncertain significance for Cortical dysplasia-focal epilepsy syndrome. Last evaluated: 2020-02-07. Review status: criteria provided, single submitter. Criteria: Invitae Variant Classification Sherloc (09022015). Collection method: clinical testing. Allele origin: germline.
Comment: In summary, the available evidence is currently insufficient to determine the role of this variant in disease. Therefore, it has been classified as a Variant of Uncertain Significance. This sequence change replaces asparagine with serine at codon 839 of the CNTNAP2 protein (p.Asn839Ser). The asparagine residue is highly conserved and there is a small physicochemical difference between asparagine and serine. This variant is not present in population databases (ExAC no frequency). This variant has not been reported in the literature in individuals with CNTNAP2-related conditions. ClinVar contains an entry for this variant (Variation ID: 205267). Algorithms developed to predict the effect of missense changes on protein structure and function (SIFT, PolyPhen-2, Align-GVGD) all suggest that this variant is likely to be disruptive, but these predictions have not been confirmed by published functional studies and their clinical significance is uncertain. Algorithms developed to predict the effect of sequence changes on RNA splicing suggest that this variant may create or strengthen a splice site, but this prediction has not been confirmed by published transcriptional studies.

GeneDx
Classification: Uncertain significance. Last evaluated: 2012-10-18. Review status: criteria provided, single submitter. Criteria: GeneDx Variant Classification (06012015). Collection method: clinical testing. Allele origin: germline. Affected: yes.
Comment: p.Asn839Ser (AAT>AGT):c.2516 A>G in exon 16 of the CNTNAP2 gene (NM_014141.4). The Asn839Ser missense change has not been published as a mutation, nor has it been reported as a benign polymorphism to our knowledge. The NHLBI ESP Exome Variant Project has not identified Asn839ser in approximately 6,500 individuals of European or African American ethnicity, indicating that it is not a common benign variant in these populations. Asn839Ser alters a highly conserved position in the laminin G domain of the CNTNAP2 protein. However, the amino acid substitution is conservative, as both Asparagine and Serine are uncharged, polar amino acid residues. In addition, while several in silico algorithms predict Asn839Ser may be pathogenic to the structure/function of the protein, other algorithms predict it is likely benign. Therefore, based on the currently available information, it is unclear whether Asn839Ser is a disease-causing mutation or a rare benign variant. The variant is found in EPILEPSY panel(s).